The following is an entry in ClinVar:

NM_000081.4(LYST):c.607G>C (p.Ala203Pro)

Gene: LYST (lysosomal trafficking regulator; minus strand). Cytogenetic location: 1q42.3.
Variant type: single nucleotide variant.
Coding change: c.607G>C on transcript NM_000081.4 (MANE Select); coding-DNA position 607, G replaced by C.
Protein change: p.Ala203Pro; replaces alanine 203 with proline.
Molecular consequence: missense variant.
Genome position (GRCh38, 1-based): chr1:235,810,211, C>G on the plus strand (G>C on the coding strand, the complement: LYST is on the minus strand). VCF-style: chr1-235810211-C-G. GRCh37 (hg19) VCF-style: chr1-235973511-C-G.
Other names: c.607G>C, p.Ala203Pro (NM_001301365.1); short protein forms A203P.
Identifiers: ClinVar variation 1970503 (VCV001970503.5), dbSNP rs966842079, ClinGen allele CA39618124.
Genomic context (GRCh38, chr1:235,810,211, plus strand): 5'-TTTCCAAAGCCATAGCATCTGGAGGAGTCTGTTCTTTGGTTGCTAAGCGGTCAAGTTTAG[C>G]TTTGGGGTGGTCTTGTTTAGGAAACGATGTTAAAAAATGATGCAGCAGATGGGGCCTTCT-3'
Protein context (NP_000072.2, residues 193-213): TSFPKQDHPK[Ala203Pro]KLDRLATKEQ

ClinVar aggregate classification (germline): Uncertain significance (1 of 4 stars; one submission).

Conditions:
Chédiak-Higashi syndrome (CHS). Also called: Chediak-Higashi Syndrome. Identifiers: Orphanet 167, MedGen C0007965, MONDO:0008963, OMIM 214500.

Allele frequency attached by ClinVar (database versions not stated): TOPMed 0.00001.

Submission:

Labcorp Genetics (formerly Invitae), Labcorp
Classification: Uncertain significance for Chédiak-Higashi syndrome. Last evaluated: 2025-02-20. Review status: criteria provided, single submitter. Criteria: Invitae Variant Classification Sherloc (09022015). Collection method: clinical testing. Allele origin: germline.
Comment: This sequence change replaces alanine, which is neutral and non-polar, with proline, which is neutral and non-polar, at codon 203 of the LYST protein (p.Ala203Pro). This variant is not present in population databases (gnomAD no frequency). This variant has not been reported in the literature in individuals affected with LYST-related conditions. ClinVar contains an entry for this variant (Variation ID: 1970503). Invitae Evidence Modeling of protein sequence and biophysical properties (such as structural, functional, and spatial information, amino acid conservation, physicochemical variation, residue mobility, and thermodynamic stability) indicates that this missense variant is not expected to disrupt LYST protein function with a negative predictive value of 80%. In summary, the available evidence is currently insufficient to determine the role of this variant in disease. Therefore, it has been classified as a Variant of Uncertain Significance.